The following is an entry in ClinVar:

ClinVar aggregate classification (germline): Uncertain significance (1 of 4 stars; one submission).

Conditions:
Hereditary cancer-predisposing syndrome. Also called: Tumor predisposition; Neoplastic Syndromes, Hereditary; Hereditary Cancer Syndrome; Hereditary neoplastic syndrome. Identifiers: Orphanet 140162, MedGen C0027672, MeSH D009386, MONDO:0015356.

Submission:

Ambry Genetics
Classification: Uncertain significance for Hereditary cancer-predisposing syndrome. Last evaluated: 2021-12-10. Review status: criteria provided, single submitter. Criteria: Ambry Variant Classification Scheme 2023. Collection method: clinical testing. Allele origin: germline.
Comment: The p.V1050F variant (also known as c.3148G>T), located in coding exon 20 of the RAD50 gene, results from a G to T substitution at nucleotide position 3148. The valine at codon 1050 is replaced by phenylalanine, an amino acid with highly similar properties. This amino acid position is conserved. In addition, the in silico prediction for this alteration is inconclusive. Since supporting evidence is limited at this time, the clinical significance of this alteration remains unclear.

NM_005732.4(RAD50):c.3148G>T (p.Val1050Phe)

Gene: RAD50 (RAD50 double strand break repair protein; plus strand). Cytogenetic location: 5q31.1.
Variant type: single nucleotide variant.
Coding change: c.3148G>T on transcript NM_005732.4 (MANE Select); coding-DNA position 3148, G replaced by T.
Protein change: p.Val1050Phe; replaces valine 1050 with phenylalanine.
Molecular consequence: missense variant.
Genome position (GRCh38, 1-based): chr5:132,616,114, G>T. VCF-style: chr5-132616114-G-T. GRCh37 (hg19) VCF-style: chr5-131951806-G-T.
Other names: short protein forms V1050F.
Identifiers: ClinVar variation 1728149 (VCV001728149.2), dbSNP rs1554099803, ClinGen allele CA360963899.